The following is an entry in ClinVar:

ClinVar aggregate classification (germline): Uncertain significance (1 of 4 stars; one submission).

Conditions:
Benign neonatal seizures. Also called: Convulsions benign familial neonatal dominant form; Autosomal dominant form of benign neonatal seizures; Benign familial neonatal seizures; Benign familial neonatal epilepsy; Benign neonatal familial convulsions. Identifiers: Orphanet 1949, MedGen C0220669, MONDO:0016027.

Allele frequency attached by ClinVar (database versions not stated): gnomAD 0.00001.

Submission:

Labcorp Genetics (formerly Invitae), Labcorp
Classification: Uncertain significance for Benign neonatal seizures. Last evaluated: 2023-06-18. Review status: criteria provided, single submitter. Criteria: Invitae Variant Classification Sherloc (09022015). Collection method: clinical testing. Allele origin: germline.
Comment: In summary, the available evidence is currently insufficient to determine the role of this variant in disease. Therefore, it has been classified as a Variant of Uncertain Significance. Advanced modeling of protein sequence and biophysical properties (such as structural, functional, and spatial information, amino acid conservation, physicochemical variation, residue mobility, and thermodynamic stability) performed at Invitae indicates that this missense variant is not expected to disrupt KCNQ3 protein function. ClinVar contains an entry for this variant (Variation ID: 1474823). This variant has not been reported in the literature in individuals affected with KCNQ3-related conditions. The frequency data for this variant in the population databases is considered unreliable, as metrics indicate poor data quality at this position in the gnomAD database. This sequence change replaces alanine, which is neutral and non-polar, with valine, which is neutral and non-polar, at codon 34 of the KCNQ3 protein (p.Ala34Val).

NM_004519.4(KCNQ3):c.101C>T (p.Ala34Val)

Gene: KCNQ3 (potassium voltage-gated channel subfamily Q member 3; minus strand). Cytogenetic location: 8q24.22.
Variant type: single nucleotide variant.
Coding change: c.101C>T on transcript NM_004519.4 (MANE Select); coding-DNA position 101, C replaced by T.
Protein change: p.Ala34Val; replaces alanine 34 with valine.
Molecular consequence: missense variant.
Genome position (GRCh38, 1-based): chr8:132,480,432, G>A on the plus strand (C>T on the coding strand, the complement: KCNQ3 is on the minus strand). VCF-style: chr8-132480432-G-A. GRCh37 (hg19) VCF-style: chr8-133492679-G-A.
Other names: short protein forms A34V.
Identifiers: ClinVar variation 1474823 (VCV001474823.8), dbSNP rs1412895282, ClinGen allele CA372292893.